The following is an entry in ClinVar:

NM_002769.5(PRSS1):c.544A>G (p.Asn182Asp)

Genes: TRB (T cell receptor beta locus; plus strand), PRSS1 (serine protease 1; plus strand). Cytogenetic location: 7q34.
Variant type: single nucleotide variant.
Coding change: c.544A>G on transcript NM_002769.5 (MANE Select); coding-DNA position 544, A replaced by G.
Protein change: p.Asn182Asp; replaces asparagine 182 with aspartic acid.
Molecular consequence: missense variant. On other transcripts: non-coding transcript variant (5).
Genome position (GRCh38, 1-based): chr7:142,752,520, A>G. VCF-style: chr7-142752520-A-G. GRCh37 (hg19) VCF-style: chr7-142460371-A-G.
Other names: short protein forms N182D.
Identifiers: ClinVar variation 3783977 (VCV003783977.1).

ClinVar aggregate classification (germline): Uncertain significance (1 of 4 stars; one submission).

Conditions:
Hereditary pancreatitis (PCTT). Also called: PRSS1-Related Hereditary Pancreatitis; Hereditary chronic pancreatitis. Identifiers: Orphanet 676, MedGen C0238339, MONDO:0008185, OMIM 167800.

Submission:

Ambry Genetics
Classification: Uncertain significance for Hereditary pancreatitis. Last evaluated: 2024-12-20. Review status: criteria provided, single submitter. Criteria: Ambry Variant Classification Scheme 2023. Collection method: clinical testing. Allele origin: germline.
Comment: The p.N182D variant (also known as c.544A>G), located in coding exon 4 of the PRSS1 gene, results from an A to G substitution at nucleotide position 544. The asparagine at codon 182 is replaced by aspartic acid, an amino acid with highly similar properties. This amino acid position is conserved. In addition, the in silico prediction for this alteration is inconclusive. Based on the available evidence, the clinical significance of this variant remains unclear.